The following is an entry in ClinVar:

ClinVar aggregate classification (germline): Pathogenic. Review status: criteria provided, multiple submitters, no conflicts (2 of 4 stars). 3 submissions from 3 submitters: Pathogenic (2). 1 of the submissions does not count toward it. Last evaluated 2024-06-24.

Conditions:
Nystagmus 6, congenital, X-linked (NYS6). Identifiers: MedGen C3151752, MONDO:0010435, OMIM 300814.

Submissions (3):

GeneDx
Classification: Pathogenic. Last evaluated: 2024-06-24. Review status: criteria provided, single submitter. Criteria: GeneDx Variant Classification Process June 2021. Collection method: clinical testing. Allele origin: germline. Affected: yes.
Comment: Frameshift variant predicted to result in protein truncation or nonsense mediated decay in a gene for which loss of function is a known mechanism of disease; Not observed at significant frequency in large population cohorts (gnomAD); This variant is associated with the following publications: (PMID: 18978956, 15965158, 21541274, 28211458, 26160353, 19390656, 34132631)

Labcorp Genetics (formerly Invitae), Labcorp
Classification: Pathogenic. Last evaluated: 2022-07-03. Review status: criteria provided, single submitter. Criteria: Invitae Variant Classification Sherloc (09022015). Collection method: clinical testing. Allele origin: germline.
Comment: For these reasons, this variant has been classified as Pathogenic. This variant is also known as c.291_309dup. This premature translational stop signal has been observed in individual(s) with congenital nystagmus (PMID: 19390656). This variant is not present in population databases (gnomAD no frequency). This sequence change creates a premature translational stop signal (p.Gly84Argfs*23) in the GPR143 gene. It is expected to result in an absent or disrupted protein product. Loss-of-function variants in GPR143 are known to be pathogenic (PMID: 15965158, 18978956, 19390656, 21541274, 26160353, 28211458).

OMIM
Classification: Pathogenic for NYSTAGMUS 6, CONGENITAL, X-LINKED. Last evaluated: 2009-01-01. Review status: no assertion criteria provided. Collection method: literature only. Allele origin: germline. Not counted in ClinVar's aggregate classification.

Literature cited by the submitters: PubMed 19390656 (cited by Labcorp Genetics (formerly Invitae), Labcorp and OMIM); PubMed 15965158 (cited by Labcorp Genetics (formerly Invitae), Labcorp); PubMed 18978956 (cited by Labcorp Genetics (formerly Invitae), Labcorp); PubMed 21541274 (cited by Labcorp Genetics (formerly Invitae), Labcorp); PubMed 26160353 (cited by Labcorp Genetics (formerly Invitae), Labcorp); PubMed 28211458 (cited by Labcorp Genetics (formerly Invitae), Labcorp).

NM_000273.3(GPR143):c.231_249dup (p.Gly84fs)

Gene: GPR143 (G protein-coupled receptor 143; minus strand). Cytogenetic location: Xp22.2.
Variant type: Duplication.
Coding change: c.231_249dup on transcript NM_000273.3 (MANE Select); coding-DNA positions 231 to 249, 19 bases duplicated (CGACCTTCTCGGCTGCCTG).
Protein change: p.Gly84fs; shifts the reading frame from glycine 84.
Molecular consequence: frameshift variant.
Genome position (GRCh38, 1-based): chrX:9,765,569-9,765,587, CAGGCAGCCGAGAAGGTCG duplicated on the plus strand (CGACCTTCTCGGCTGCCTG on the coding strand, the reverse complement: GPR143 is on the minus strand); duplicating any 19 consecutive bases within chrX:9,765,569-9,765,595 gives the same sequence; the c. name uses the placement nearest the transcript's 3' end. VCF-style (leftmost placement, unchanged base first): chrX-9765568-C-CCAGGCAGCCGAGAAGGTCG. GRCh37 (hg19) VCF-style: chrX-9733608-C-CCAGGCAGCCGAGAAGGTCG.
Other names: c.231_249dup (NM_000273.2); short protein forms G84fs.
Identifiers: ClinVar variation 10525 (VCV000010525.6), dbSNP rs2146705597, ClinGen allele CA2580102080.